The following is an entry in ClinVar:

ClinVar aggregate classification (germline): Likely pathogenic (1 of 4 stars; one submission).

Conditions:
Familial focal epilepsy with variable foci (FPEVF). Identifiers: Orphanet 98820, MedGen C1858477, MONDO:0020310.

Submission:

Labcorp Genetics (formerly Invitae), Labcorp
Classification: Likely pathogenic for Familial focal epilepsy with variable foci. Last evaluated: 2019-05-03. Review status: criteria provided, single submitter. Criteria: Invitae Variant Classification Sherloc (09022015). Collection method: clinical testing. Allele origin: germline.
Comment: This variant has not been reported in the literature in individuals with DEPDC5-related disease. In summary, the currently available evidence indicates that the variant is pathogenic, but additional data are needed to prove that conclusively. Therefore, this variant has been classified as Likely Pathogenic. Donor and acceptor splice site variants typically lead to a loss of protein function (PMID: 16199547), and loss-of-function variants in DEPDC5 are known to be pathogenic (PMID: 23542697, 23542701). Algorithms developed to predict the effect of sequence changes on RNA splicing suggest that this variant may disrupt the consensus splice site, but this prediction has not been confirmed by published transcriptional studies. This variant is not present in population databases (ExAC no frequency). This sequence change affects donor splice site in intron 11 of the DEPDC5 gene. It is expected to disrupt RNA splicing and likely results in an absent or disrupted protein product.

Literature cited by the submitters: PubMed 16199547; PubMed 23542697; PubMed 23542701.

NM_001242896.3(DEPDC5):c.694+1G>A

Gene: DEPDC5 (DEP domain containing 5, GATOR1 subcomplex subunit; plus strand). Cytogenetic location: 22q12.2.
Variant type: single nucleotide variant.
Coding change: c.694+1G>A on transcript NM_001242896.3 (MANE Select); the canonical splice donor site of the intron after coding-DNA position 694, G replaced by A.
Molecular consequence: splice donor variant.
Genome position (GRCh38, 1-based): chr22:31,792,103, G>A. VCF-style: chr22-31792103-G-A. GRCh37 (hg19) VCF-style: chr22-32188089-G-A.
Other names: c.694+1G>A (NM_001364318.2, NM_001136029.4, NM_014662.6 and 7 more transcripts); c.610+1G>A (NM_001369902.1, NM_001369901.1).
Identifiers: ClinVar variation 665695 (VCV000665695.9), dbSNP rs1601875057, ClinGen allele CA411288609.